The following is an entry in ClinVar:

NM_020738.4(KIDINS220):c.784G>A (p.Val262Met)

Gene: KIDINS220 (kinase D interacting substrate 220; minus strand). Cytogenetic location: 2p25.1.
Variant type: single nucleotide variant.
Coding change: c.784G>A on transcript NM_020738.4 (MANE Select); coding-DNA position 784, G replaced by A.
Protein change: p.Val262Met; replaces valine 262 with methionine.
Molecular consequence: missense variant. On other transcripts: non-coding transcript variant (2).
Genome position (GRCh38, 1-based): chr2:8,802,947, C>T on the plus strand (G>A on the coding strand, the complement: KIDINS220 is on the minus strand). VCF-style: chr2-8802947-C-T. GRCh37 (hg19) VCF-style: chr2-8943077-C-T.
Other names: c.787G>A, p.Val263Met (NM_001348729.2, NM_001348731.2, NM_001348734.2 and 3 more transcripts); c.784G>A, p.Val262Met (NM_001348732.2, NM_001348735.2, NM_001348738.2 and 3 more transcripts); c.658G>A, p.Val220Met (NM_001348736.2); short protein forms V220M, V262M, V263M.
Identifiers: ClinVar variation 2631919 (VCV002631919.2), dbSNP rs553579535, ClinGen allele CA1520354.

ClinVar aggregate classification (germline): Uncertain significance (1 of 4 stars; one submission).

Conditions:
KIDINS220-related disorder. Also called: KIDINS220-related condition.

Allele frequency attached by ClinVar (database versions not stated): ExAC 0.00001; TOPMed 0.00002; gnomAD 0.00003.
gnomAD v4.1: 37 of 1,613,774 alleles (0.0023%); highest among the groups gnomAD compares: Non-Finnish European, 0.0031%; no homozygotes.

Submission:

PreventionGenetics, part of Exact Sciences
Classification: Uncertain significance for KIDINS220-related condition. Last evaluated: 2026-05-06. Review status: criteria provided, single submitter. Criteria: ACMG Guidelines, 2015. Collection method: clinical testing. Allele origin: germline.
Comment: The KIDINS220 c.784G>A variant is predicted to result in the amino acid substitution p.Val262Met. To our knowledge, this variant has not been reported in the literature. This variant is reported in 0.0035% of alleles in individuals of European (Non-Finnish) descent in gnomAD. At this time, the clinical significance of this variant is uncertain due to the absence of conclusive functional and genetic evidence.